The following is an entry in ClinVar:

NM_001845.6(COL4A1):c.3556+54_3877-1090del

Gene: COL4A1 (collagen type IV alpha 1 chain; minus strand). Cytogenetic location: 13q34.
Variant type: Deletion.
Coding change: c.3556+54_3877-1090del on transcript NM_001845.6 (MANE Select); 54 bases into the intron after coding-DNA position 3556 through 1090 bases into the intron before coding-DNA position 3877, 4,347 bases deleted.
Molecular consequence: splice acceptor variant, splice donor variant.
Genome position (GRCh38, 1-based): chr13:110,168,320-110,172,666, 4,347 bases deleted. GRCh37 (hg19): chr13:110,820,667-110,825,013.
Identifiers: ClinVar variation 2502317 (VCV002502317.1), ClinGen allele CA2580616537.

ClinVar aggregate classification (germline): Pathogenic (1 of 4 stars; one submission).

Conditions:
Brain small vessel disease 1 with or without ocular anomalies (BSVD1). Also called: Brain small vessel disease with or without ocular anomalies; BRAIN SMALL VESSEL DISEASE WITH HEMORRHAGE; GOULD SYNDROME 1; PORENCEPHALY, TYPE 1, AUTOSOMAL DOMINANT. Identifiers: Orphanet 2940, Orphanet 36383, Orphanet 99810, MedGen C4755307, MONDO:0008289, OMIM 175780.

Submission:

HUSP Clinical Genetics Laboratory, Hospital Universitario San Pedro De Logroño (HUSP)
Classification: Pathogenic for Brain small vessel disease 1 with or without ocular anomalies. Review status: criteria provided, single submitter. Criteria: ACMG Guidelines, 2015. Collection method: clinical testing. Allele origin: de novo. Inheritance: Autosomal dominant inheritance. Affected: yes. Observed: 1 variant allele.
Comment: The NC_000013.10:g.110820667_110825013del variant in the COL4A1 gene is a deletion of exons 42-43 (NM_001845.6). This alteration has not been reported previously in the literature and it is not detected in general population. Pathogenic variants in the COL4A1 gene have been associated with the following phenotypes: Brain small vessel disease with or without ocular anomalies (OMIM 175780), with autosomal dominant inheritance.